The following is an entry in ClinVar:

NM_000051.4(ATM):c.7452A>G (p.Val2484=)

Genes: ATM (ATM serine/threonine kinase; plus strand), C11orf65 (chromosome 11 open reading frame 65; minus strand). Cytogenetic location: 11q22.3.
Variant type: single nucleotide variant.
Coding change: c.7452A>G on transcript NM_000051.4 (MANE Select); coding-DNA position 7452, A replaced by G.
Protein change: p.Val2484=; no amino-acid change (valine 2484 retained).
Molecular consequence: synonymous variant. On other transcripts: intron variant (2).
Genome position (GRCh38, 1-based): chr11:108,330,358, A>G. VCF-style: chr11-108330358-A-G. GRCh37 (hg19) VCF-style: chr11-108201085-A-G.
Other names: c.7452A>G, p.Val2484= (NM_001351834.2); c.641-21287T>C (NM_001330368.2); c.*38+4862T>C (NM_001351110.2).
Identifiers: ClinVar variation 1672654 (VCV001672654.9), dbSNP rs2136460667, ClinGen allele CA476676949.

ClinVar aggregate classification (germline): Benign/Likely benign. Review status: criteria provided, multiple submitters, no conflicts (2 of 4 stars). 2 submissions from 2 submitters: Benign (1); Likely benign (1). Last evaluated 2024-06-14.

Conditions:
Ataxia-telangiectasia syndrome (AT). Also called: Ataxia telangiectasia (A-T); LOUIS-BAR SYNDROME; Cerebello-oculocutaneous telangiectasia; Immunodeficiency with ataxia telangiectasia; Ataxia-telangiectasia, complementation group D; AT, COMPLEMENTATION GROUP C. Identifiers: Orphanet 100, MedGen C0004135, MONDO:0008840, OMIM 208900.
Familial cancer of breast. Also called: Hereditary breast cancer; hereditary breast carcinoma; BREAST CANCER, FAMILIAL. Identifiers: Orphanet 227535, MedGen C0346153, MONDO:0016419, OMIM 114480. Disease mechanism: loss of function.

Submissions (2):

Myriad Genetics, Inc.
Classification: Benign for Familial cancer of breast. Last evaluated: 2024-06-14. Review status: criteria provided, single submitter. Criteria: Myriad Autosomal Dominant, Autosomal Recessive and X-Linked Classification Criteria (2023). Collection method: clinical testing. Allele origin: unknown.
Comment: This variant is considered benign. This variant is a silent/synonymous amino acid change and it is not expected to impact splicing.

Labcorp Genetics (formerly Invitae), Labcorp
Classification: Likely benign for Ataxia-telangiectasia syndrome. Last evaluated: 2024-04-30. Review status: criteria provided, single submitter. Criteria: Invitae Variant Classification Sherloc (09022015). Collection method: clinical testing. Allele origin: germline.